The following is an entry in ClinVar:

NM_144997.7(FLCN):c.854A>C (p.Gln285Pro)

Gene: FLCN (folliculin; minus strand). Cytogenetic location: 17p11.2.
Variant type: single nucleotide variant.
Coding change: c.854A>C on transcript NM_144997.7 (MANE Select); coding-DNA position 854, A replaced by C.
Protein change: p.Gln285Pro; replaces glutamine 285 with proline.
Molecular consequence: missense variant.
Genome position (GRCh38, 1-based): chr17:17,221,554, T>G on the plus strand (A>C on the coding strand, the complement: FLCN is on the minus strand). VCF-style: chr17-17221554-T-G. GRCh37 (hg19) VCF-style: chr17-17124868-T-G.
Other names: c.908A>C, p.Gln303Pro (NM_001353229.2); c.854A>C, p.Gln285Pro (NM_001353230.2, NM_001353231.2, NM_144606.7); short protein forms Q285P, Q303P.
Identifiers: ClinVar variation 2810188 (VCV002810188.3), dbSNP rs2544219352, ClinGen allele CA398533652.

ClinVar aggregate classification (germline): Uncertain significance (1 of 4 stars; one submission).

Conditions:
Birt-Hogg-Dube syndrome. Also called: Birt Hogg Dubé syndrome. Identifiers: Orphanet 122, MedGen C0346010, MONDO:0800444.

Submission:

Labcorp Genetics (formerly Invitae), Labcorp
Classification: Uncertain significance for Birt-Hogg-Dube syndrome. Last evaluated: 2022-10-27. Review status: criteria provided, single submitter. Criteria: Invitae Variant Classification Sherloc (09022015). Collection method: clinical testing. Allele origin: germline.
Comment: Advanced modeling of protein sequence and biophysical properties (such as structural, functional, and spatial information, amino acid conservation, physicochemical variation, residue mobility, and thermodynamic stability) performed at Invitae indicates that this missense variant is not expected to disrupt FLCN protein function. This sequence change replaces glutamine, which is neutral and polar, with proline, which is neutral and non-polar, at codon 285 of the FLCN protein (p.Gln285Pro). This variant is not present in population databases (gnomAD no frequency). This variant has not been reported in the literature in individuals affected with FLCN-related conditions. In summary, the available evidence is currently insufficient to determine the role of this variant in disease. Therefore, it has been classified as a Variant of Uncertain Significance.